The following is an entry in ClinVar:

ClinVar aggregate classification (germline): Uncertain significance. Review status: criteria provided, multiple submitters, no conflicts (2 of 4 stars). 2 submissions from 2 submitters: Uncertain significance (2). Last evaluated 2025-12-17.

Conditions:
Cardiovascular phenotype. Identifiers: MedGen CN230736.
Desmin-related myofibrillar myopathy (MFM1). Also called: Desminopathy; Desmin related myopathy (former name); Desmin storage myopathy (former name); Myofibrillar myopathy 1; MYOFIBRILLAR MYOPATHY WITH ARRHYTHMOGENIC RIGHT VENTRICULAR CARDIOMYOPATHY; DESMIN-RELATED MYOPATHY WITH ARRHYTHMOGENIC RIGHT VENTRICULAR CARDIOMYOPATHY. Identifiers: Orphanet 363543, Orphanet 98909, MedGen C1832370, MONDO:0011076, OMIM 601419.

Allele frequency attached by ClinVar (database versions not stated): gnomAD exomes below 0.00001; TOPMed 0.00003; gnomAD 0.00004.
gnomAD v4.1: 7 of 1,562,742 alleles (0.00045%); highest among the groups gnomAD compares: African/African-American, 0.0095%; no homozygotes.

Submissions (2):

Labcorp Genetics (formerly Invitae), Labcorp
Classification: Uncertain significance for Desmin-related myofibrillar myopathy. Last evaluated: 2025-12-17. Review status: criteria provided, single submitter. Criteria: Invitae Variant Classification Sherloc (09022015). Collection method: clinical testing. Allele origin: germline.
Comment: This sequence change replaces aspartic acid, which is acidic and polar, with histidine, which is basic and polar, at codon 90 of the DES protein (p.Asp90His). This variant is present in population databases (no rsID available, gnomAD 0.01%). This variant has not been reported in the literature in individuals affected with DES-related conditions. ClinVar contains an entry for this variant (Variation ID: 474287). Invitae Evidence Modeling of protein sequence and biophysical properties (such as structural, functional, and spatial information, amino acid conservation, physicochemical variation, residue mobility, and thermodynamic stability) indicates that this missense variant is expected to disrupt DES protein function with a positive predictive value of 95%. In summary, the available evidence is currently insufficient to determine the role of this variant in disease. Therefore, it has been classified as a Variant of Uncertain Significance.

Ambry Genetics
Classification: Uncertain significance for Cardiovascular phenotype. Last evaluated: 2022-03-24. Review status: criteria provided, single submitter. Criteria: Ambry Variant Classification Scheme 2023. Collection method: clinical testing. Allele origin: germline.
Comment: The p.D90H variant (also known as c.268G>C), located in coding exon 1 of the DES gene, results from a G to C substitution at nucleotide position 268. The aspartic acid at codon 90 is replaced by histidine, an amino acid with similar properties. This amino acid position is highly conserved in available vertebrate species. In addition, this alteration is predicted to be deleterious by in silico analysis. Since supporting evidence is limited at this time, the clinical significance of this alteration remains unclear.

NM_001927.4(DES):c.268G>C (p.Asp90His)

Gene: DES (desmin; plus strand). Cytogenetic location: 2q35.
Variant type: single nucleotide variant.
Coding change: c.268G>C on transcript NM_001927.4 (MANE Select); coding-DNA position 268, G replaced by C.
Protein change: p.Asp90His; replaces aspartic acid 90 with histidine.
Molecular consequence: missense variant.
Genome position (GRCh38, 1-based): chr2:219,418,730, G>C. VCF-style: chr2-219418730-G-C. GRCh37 (hg19) VCF-style: chr2-220283452-G-C.
Other names: c.268G>C (LRG_380t1); short protein forms D90H.
Identifiers: ClinVar variation 474287 (VCV000474287.12), dbSNP rs1267102255, ClinGen allele CA350684687.